The following is an entry in ClinVar:

ClinVar aggregate classification (germline): Uncertain significance. Review status: criteria provided, multiple submitters, no conflicts (2 of 4 stars). 2 submissions from 2 submitters: Uncertain significance (2). Last evaluated 2024-07-13.

Allele frequency attached by ClinVar (database versions not stated): gnomAD 0.00001 and 0.00003; TOPMed 0.00001; ExAC 0.00005; 1000 Genomes Project 0.00020; 1000 Genomes Project 30x 0.00031.
gnomAD v4.1: 12 of 1,550,390 alleles (0.00077%); highest among the groups gnomAD compares: African/African-American, 0.0041%; no homozygotes.

Submissions (2):

Labcorp Genetics (formerly Invitae), Labcorp
Classification: Uncertain significance. Last evaluated: 2024-07-13. Review status: criteria provided, single submitter. Criteria: Invitae Variant Classification Sherloc (09022015). Collection method: clinical testing. Allele origin: germline.
Comment: This sequence change replaces glycine, which is neutral and non-polar, with arginine, which is basic and polar, at codon 1186 of the PIEZO1 protein (p.Gly1186Arg). This variant is present in population databases (rs536842871, gnomAD 0.009%). This variant has not been reported in the literature in individuals affected with PIEZO1-related conditions. ClinVar contains an entry for this variant (Variation ID: 811322). Advanced modeling of protein sequence and biophysical properties (such as structural, functional, and spatial information, amino acid conservation, physicochemical variation, residue mobility, and thermodynamic stability) has been performed at Invitae for this missense variant, however the output from this modeling did not meet the statistical confidence thresholds required to predict the impact of this variant on PIEZO1 protein function. In summary, the available evidence is currently insufficient to determine the role of this variant in disease. Therefore, it has been classified as a Variant of Uncertain Significance.

ARUP Laboratories, Molecular Genetics and Genomics, ARUP Laboratories
Classification: Uncertain significance. Last evaluated: 2019-03-06. Review status: criteria provided, single submitter. Criteria: ARUP Molecular Germline Variant Investigation Process. Collection method: clinical testing. Allele origin: germline.

NM_001142864.4(PIEZO1):c.3556G>A (p.Gly1186Arg)

Gene: PIEZO1 (piezo type mechanosensitive ion channel component 1 (Er blood group); minus strand). Cytogenetic location: 16q24.3.
Variant type: single nucleotide variant.
Coding change: c.3556G>A on transcript NM_001142864.4 (MANE Select); coding-DNA position 3556, G replaced by A.
Protein change: p.Gly1186Arg; replaces glycine 1186 with arginine.
Molecular consequence: missense variant.
Genome position (GRCh38, 1-based): chr16:88,726,858, C>T on the plus strand (G>A on the coding strand, the complement: PIEZO1 is on the minus strand). VCF-style: chr16-88726858-C-T. GRCh37 (hg19) VCF-style: chr16-88793266-C-T.
Other names: short protein forms G1186R.
Identifiers: ClinVar variation 811322 (VCV000811322.10), dbSNP rs536842871, ClinGen allele CA8232452.
Genomic context (GRCh38, chr16:88,726,858, plus strand): 5'-TCTGCAGCAGGGCCGTGCCGAAGAGCAGCAGGTAGAAGCAGGCCAGCAGGTAGCCCAGCC[C>T]GAAGATGCTGATGCGGGTGGCCCCCGTGACAAACACCACCACCAGCACCAGCCAGAACAG-3'
Protein context (NP_001136336.2, residues 1176-1196): VTGATRISIF[Gly1186Arg]LGYLLACFYL